The following is an entry in ClinVar:

NM_005188.4(CBL):c.1142G>T (p.Cys381Phe)

Gene: CBL (Cbl proto-oncogene; plus strand). Cytogenetic location: 11q23.3.
Variant type: single nucleotide variant.
Coding change: c.1142G>T on transcript NM_005188.4 (MANE Select); coding-DNA position 1142, G replaced by T.
Protein change: p.Cys381Phe; replaces cysteine 381 with phenylalanine.
Molecular consequence: missense variant.
Genome position (GRCh38, 1-based): chr11:119,278,212, G>T. VCF-style: chr11-119278212-G-T. GRCh37 (hg19) VCF-style: chr11-119148922-G-T.
Other names: short protein forms C381F.
Identifiers: ClinVar variation 2662914 (VCV002662914.1), dbSNP rs768898787, ClinGen allele CA382912483.

ClinVar aggregate classification (germline): Likely pathogenic (1 of 4 stars; one submission).

Allele frequency attached by ClinVar (database versions not stated): gnomAD 0.00001.
gnomAD v4.1: 1 of 1,611,544 alleles (0.000062%); highest among the groups gnomAD compares: Non-Finnish European, 0.000085%; no homozygotes.

Submission:

GeneDx
Classification: Likely pathogenic. Last evaluated: 2023-05-03. Review status: criteria provided, single submitter. Criteria: GeneDx Variant Classification Process June 2021. Collection method: clinical testing. Allele origin: germline. Affected: yes.
Comment: In silico analysis supports that this missense variant has a deleterious effect on protein structure/function; Not observed at significant frequency in large population cohorts (gnomAD); Has not been previously published as pathogenic or benign to our knowledge; This variant is associated with the following publications: (PMID: 20619386, 22315494, 19571318, 22591685, 23010802)